The following is an entry in ClinVar:

ClinVar aggregate classification (germline): Uncertain significance (1 of 4 stars; one submission).

Submission:

Mayo Clinic Laboratories, Mayo Clinic
Classification: Uncertain significance. Last evaluated: 2024-06-06. Review status: criteria provided, single submitter. Criteria: ACMG Guidelines, 2015. Collection method: clinical testing. Allele origin: germline. Observed: 1 variant allele.
Comment: BP4, PM2

NM_000338.3(SLC12A1):c.47G>A (p.Ser16Asn)

Gene: SLC12A1 (solute carrier family 12 member 1; plus strand). Cytogenetic location: 15q21.1.
Variant type: single nucleotide variant.
Coding change: c.47G>A on transcript NM_000338.3 (MANE Select); coding-DNA position 47, G replaced by A.
Protein change: p.Ser16Asn; replaces serine 16 with asparagine.
Molecular consequence: missense variant.
Genome position (GRCh38, 1-based): chr15:48,207,766, G>A. VCF-style: chr15-48207766-G-A. GRCh37 (hg19) VCF-style: chr15-48499963-G-A.
Other names: p.Ser16Asn; c.47G>A, p.Ser16Asn (NM_001184832.2, NM_001384136.1); short protein forms S16N.
Identifiers: ClinVar variation 3380286 (VCV003380286.1).